The following is an entry in ClinVar:

NM_012096.3(APPL1):c.9G>A (p.Gly3=)

Genes: APPL1 (adaptor protein, phosphotyrosine interacting with PH domain and leucine zipper 1; plus strand), LOC129936926 (ATAC-STARR-seq lymphoblastoid silent region 14480; plus strand). Cytogenetic location: 3p14.3.
Variant type: single nucleotide variant.
Coding change: c.9G>A on transcript NM_012096.3 (MANE Select); coding-DNA position 9, G replaced by A.
Protein change: p.Gly3=; no amino-acid change (glycine 3 retained).
Molecular consequence: synonymous variant.
Genome position (GRCh38, 1-based): chr3:57,227,892, G>A. VCF-style: chr3-57227892-G-A. GRCh37 (hg19) VCF-style: chr3-57261920-G-A.
Other names: c.9G>A (NM_012096.2).
Identifiers: ClinVar variation 1646880 (VCV001646880.11), dbSNP rs571175742, ClinGen allele CA2463369.

ClinVar aggregate classification (germline): Benign. Review status: criteria provided, multiple submitters, no conflicts (2 of 4 stars). 3 submissions from 3 submitters: Benign (2). 1 of the submissions does not count toward it. Last evaluated 2025-05-05.

Conditions:
APPL1-related disorder. Also called: APPL1-related condition.

Allele frequency attached by ClinVar (database versions not stated): TOPMed 0.00002; gnomAD 0.00018; 1000 Genomes Project 0.00020; gnomAD exomes 0.00030 and 0.00116; 1000 Genomes Project 30x 0.00062; ExAC 0.00337.
gnomAD v4.1: 421 of 1,469,316 alleles (0.029%); highest among the groups gnomAD compares: South Asian, 0.52%; 5 homozygotes.

Submissions (3):

Labcorp Genetics (formerly Invitae), Labcorp
Classification: Benign. Last evaluated: 2025-05-05. Review status: criteria provided, single submitter. Criteria: Invitae Variant Classification Sherloc (09022015). Collection method: clinical testing. Allele origin: germline.

Women's Health and Genetics/Laboratory Corporation of America, LabCorp
Classification: Benign. Last evaluated: 2024-10-11. Review status: criteria provided, single submitter. Criteria: LabCorp Variant Classification Summary - May 2015. Collection method: clinical testing. Allele origin: germline.

PreventionGenetics, part of Exact Sciences
Classification: Benign for APPL1-related condition. Last evaluated: 2019-04-11. Review status: no assertion criteria provided. Collection method: clinical testing. Allele origin: germline. Not counted in ClinVar's aggregate classification.
Comment: This variant is classified as benign based on ACMG/AMP sequence variant interpretation guidelines (Richards et al. 2015 PMID: 25741868, with internal and published modifications).